The following is an entry in ClinVar:

ClinVar aggregate classification (germline): Uncertain significance (1 of 4 stars; one submission).

Conditions:
Joubert syndrome 20 (JBTS20). Identifiers: Orphanet 475, MedGen C3554235, MONDO:0013994, OMIM 614970.
Meckel syndrome, type 11 (MKS11). Identifiers: Orphanet 564, MedGen C3809352, MONDO:0014164, OMIM 615397.

Submission:

Labcorp Genetics (formerly Invitae), Labcorp
Classification: Uncertain significance for Joubert syndrome 20; Meckel syndrome, type 11. Last evaluated: 2022-05-25. Review status: criteria provided, single submitter. Criteria: Invitae Variant Classification Sherloc (09022015). Collection method: clinical testing. Allele origin: germline.
Comment: This sequence change replaces proline, which is neutral and non-polar, with alanine, which is neutral and non-polar, at codon 217 of the TMEM231 protein (p.Pro217Ala). This variant is present in population databases (no rsID available, gnomAD 0.003%). This variant has not been reported in the literature in individuals affected with TMEM231-related conditions. Algorithms developed to predict the effect of missense changes on protein structure and function output the following: SIFT: "Tolerated"; PolyPhen-2: "Not Available"; Align-GVGD: "Class C0". The alanine amino acid residue is found in multiple mammalian species, which suggests that this missense change does not adversely affect protein function. In summary, the available evidence is currently insufficient to determine the role of this variant in disease. Therefore, it has been classified as a Variant of Uncertain Significance.

NM_001077418.3(TMEM231):c.490C>G (p.Pro164Ala)

Gene: TMEM231 (transmembrane protein 231; minus strand). Cytogenetic location: 16q23.1.
Variant type: single nucleotide variant.
Coding change: c.490C>G on transcript NM_001077418.3 (MANE Select); coding-DNA position 490, C replaced by G.
Protein change: p.Pro164Ala; replaces proline 164 with alanine.
Molecular consequence: missense variant. On other transcripts: non-coding transcript variant (1).
Genome position (GRCh38, 1-based): chr16:75,545,444, G>C on the plus strand (C>G on the coding strand, the complement: TMEM231 is on the minus strand). VCF-style: chr16-75545444-G-C. GRCh37 (hg19) VCF-style: chr16-75579342-G-C.
Other names: c.649C>G, p.Pro217Ala (NM_001077416.2); short protein forms P217A, P164A.
Identifiers: ClinVar variation 2118927 (VCV002118927.1), dbSNP rs778407563, ClinGen allele CA396806780.